The following is an entry in ClinVar:

ClinVar aggregate classification (germline): Uncertain significance (1 of 4 stars; one submission).

Conditions:
Keppen-Lubinsky syndrome (KPLBS). Identifiers: Orphanet 435628, MedGen C3279800, MONDO:0013572, OMIM 614098.

Submission:

Clinical Genomics Laboratory, Washington University in St. Louis
Classification: Uncertain significance for Keppen-Lubinsky syndrome. Last evaluated: 2025-12-29. Review status: criteria provided, single submitter. Criteria: ACMG Guidelines, 2015. Collection method: clinical testing. Allele origin: germline.
Comment: The KCNJ6 c.1045G>C (p.Val349Leu) variant has not been reported in the medical literature to our knowledge. This variant is absent from the general population (gnomAD v4.1.0), indicating it is not a common variant. Computational predictors indicate that the variant is damaging, evidence that correlates with impact on KCNJ6 protein function. Due to limited information, and based on ACMG/AMP guidelines for variant interpretation (Richards S et al., PMID: 25741868), the clinical significance of this variant is uncertain at this time.

NM_002240.5(KCNJ6):c.1045G>C (p.Val349Leu)

Genes: KCNJ6 (potassium inwardly rectifying channel subfamily J member 6; minus strand), KCNJ6-AS1 (KCNJ6 antisense RNA 1; plus strand). Cytogenetic location: 21q22.13.
Variant type: single nucleotide variant.
Coding change: c.1045G>C on transcript NM_002240.5 (MANE Select); coding-DNA position 1045, G replaced by C.
Protein change: p.Val349Leu; replaces valine 349 with leucine.
Molecular consequence: missense variant.
Genome position (GRCh38, 1-based): chr21:37,625,386, C>G on the plus strand (G>C on the coding strand, the complement: KCNJ6 is on the minus strand). VCF-style: chr21-37625386-C-G. GRCh37 (hg19) VCF-style: chr21-38997688-C-G.
Other names: short protein forms V349L.
Identifiers: ClinVar variation 4879562 (VCV004879562.1).